The following is an entry in ClinVar:

ClinVar aggregate classification (germline): Uncertain significance (1 of 4 stars; one submission).

Conditions:
MPIG6B-related disorder. Also called: MPIG6B-related condition.

Submission:

PreventionGenetics, part of Exact Sciences
Classification: Uncertain significance for MPIG6B-related condition. Last evaluated: 2026-05-11. Review status: criteria provided, single submitter. Criteria: ACMG Guidelines, 2015. Collection method: clinical testing. Allele origin: germline.
Comment: The MPIG6B c.269G>C variant is predicted to result in the amino acid substitution p.Gly90Ala. To our knowledge, this variant has not been reported in the literature. This variant is reported in 0.12% of alleles in individuals of Latino descent in gnomAD. At the time of reporting this variant was absent from ClinVar. Although we suspect that this variant may be benign, at this time, the clinical significance of this variant is uncertain due to the absence of conclusive functional and genetic evidence.

NM_138272.3(MPIG6B):c.269G>C (p.Gly90Ala)

Gene: MPIG6B (megakaryocyte and platelet inhibitory receptor G6b; plus strand). Cytogenetic location: 6p21.33.
Variant type: single nucleotide variant.
Coding change: c.269G>C on transcript NM_138272.3 (MANE Select); coding-DNA position 269, G replaced by C.
Protein change: p.Gly90Ala; replaces glycine 90 with alanine.
Molecular consequence: missense variant.
Genome position (GRCh38, 1-based): chr6:31,723,846, G>C. VCF-style: chr6-31723846-G-C. GRCh37 (hg19) VCF-style: chr6-31691623-G-C.
Other names: c.269G>C, p.Gly90Ala (NM_025260.4, NM_138273.3, NM_138274.3 and 2 more transcripts); short protein forms G90A.
Identifiers: ClinVar variation 4978986 (VCV004978986.1).